The following is an entry in ClinVar:

ClinVar aggregate classification (germline): Conflicting classifications of pathogenicity. Review status: criteria provided, conflicting classifications (1 of 4 stars). 8 submissions from 8 submitters: Uncertain significance (6); Likely benign (2). Last evaluated 2026-04-01.

Conditions:
AARS1-related disorder. Also called: AARS1-related condition.
Charcot-Marie-Tooth disease. Also called: Charcot-Marie-Tooth Neuropathy; Charcot-Marie-Tooth Hereditary Neuropathy. Identifiers: Orphanet 166, MedGen C0007959, MONDO:0015626.
Charcot-Marie-Tooth disease type 2. Also called: Charcot-Marie-Tooth type 2. Identifiers: Orphanet 64746, MedGen C0270914, MONDO:0018993.
Charcot-Marie-Tooth disease axonal type 2N (CMT2N). Also called: Charcot-Marie-Tooth Neuropathy Type 2N; CHARCOT-MARIE-TOOTH DISEASE, AXONAL, AUTOSOMAL DOMINANT, TYPE 2N; CHARCOT-MARIE-TOOTH NEUROPATHY, AXONAL, TYPE 2N. Identifiers: Orphanet 228174, MedGen C2750090, MONDO:0013212, OMIM 613287.
Inborn genetic diseases. Identifiers: MedGen C0950123, MeSH D030342.

Allele frequency attached by ClinVar (database versions not stated): gnomAD 0.00003; gnomAD exomes 0.00006 and 0.00010; TOPMed 0.00006; ExAC 0.00007.
gnomAD v4.1: 94 of 1,613,922 alleles (0.0058%); highest among the groups gnomAD compares: Admixed American, 0.025%; no homozygotes.

Submissions (8):

Women's Health and Genetics/Laboratory Corporation of America, LabCorp
Classification: Uncertain significance. Last evaluated: 2026-04-01. Review status: criteria provided, single submitter. Criteria: LabCorp Variant Classification Summary - May 2015. Collection method: clinical testing. Allele origin: germline.
Comment: Variant summary: AARS1 c.2732A>G (p.Asn911Ser) results in a conservative amino acid change in the encoded protein sequence. Algorithms developed to predict the effect of missense changes on protein structure and function are either unavailable or do not agree on the potential impact of this missense change. The variant allele was found at a frequency of 0.0001 in 250788 control chromosomes (gnomAD). This frequency is not significantly higher than estimated for disease-causing variants in AARS1, allowing no conclusion about variant significance. c.2732A>G has been observed in an individual(s) affected with features of Charcot-Marie-Tooth disease with variants in other genes (e.g. Gonzaga-Jauregu_2015). These report(s) do not provide unequivocal conclusions about association of the variant with Developmental and epileptic encephalopathy, 29. To our knowledge, no experimental evidence demonstrating an impact on protein function has been reported. The following publication has been ascertained in the context of this evaluation (PMID: 26257172). ClinVar contains an entry for this variant (Variation ID: 320324). Based on the evidence outlined above, the variant was classified as uncertain significance.

PreventionGenetics, part of Exact Sciences
Classification: Uncertain significance for AARS1-related condition. Last evaluated: 2026-03-23. Review status: criteria provided, single submitter. Criteria: ACMG Guidelines, 2015. Collection method: clinical testing. Allele origin: germline.
Comment: The AARS1 c.2732A>G variant is predicted to result in the amino acid substitution p.Asn911Ser. This variant was reported as a variant of uncertain significance in an individual from a large cohort study of Charcot-Marie-Tooth disease; however, additional evidence was not provided (Volodarsky et al. 2021. PubMed ID: 32376792). This variant is reported in 0.089% of alleles in individuals of Ashkenazi Jewish descent in gnomAD. Although we suspect that this variant may be benign, at this time, the clinical significance of this variant is uncertain due to the absence of conclusive functional and genetic evidence.

Labcorp Genetics (formerly Invitae), Labcorp
Classification: Likely benign for Charcot-Marie-Tooth disease type 2. Last evaluated: 2025-11-14. Review status: criteria provided, single submitter. Criteria: Invitae Variant Classification Sherloc (09022015). Collection method: clinical testing. Allele origin: germline.

GeneDx
Classification: Uncertain significance. Last evaluated: 2022-05-05. Review status: criteria provided, single submitter. Criteria: GeneDx Variant Classification Process June 2021. Collection method: clinical testing. Allele origin: germline. Affected: yes.
Comment: In silico analysis supports that this missense variant does not alter protein structure/function; Reported previously as a variant of uncertain significance in a patient with a suspected diagnosis of Charcot-Marie-Tooth disease; however, clinical and segregation information was not provided (Volodarsky et al., 2021); Reported in a patient with Sotos syndrome, intellectual disability, progressive sensory and motor axonal neuropathy, and leg spasticity in the published literature who also had variants in 5 other genes that may have been responsible for the phenotype (Gonzaga-Jauregui et al., 2015); This variant is associated with the following publications: (PMID: 25817015, 27309375, 32376792, 26257172)

Ambry Genetics
Classification: Uncertain significance for Inborn genetic diseases. Last evaluated: 2021-07-01. Review status: criteria provided, single submitter. Criteria: Ambry Variant Classification Scheme 2023. Collection method: clinical testing. Allele origin: germline.
Comment: The p.N911S variant (also known as c.2732A>G), located in coding exon 20 of the AARS gene, results from an A to G substitution at nucleotide position 2732. The asparagine at codon 911 is replaced by serine, an amino acid with highly similar properties. This variant was detected in an individual with Charcot-Marie-Tooth disease, who also had variants in other genes associated with neuropathy (Gonzaga-Jauregui C et al. Cell Rep, 2015 Aug;12:1169-83). This amino acid position is well conserved in available vertebrate species; however, serine is the reference amino acid in other vertebrate species. In addition, this alteration is predicted to be tolerated by in silico analysis. Based on the supporting evidence, this variant is unlikely to be causative of Charcot-Marie-Tooth disease, axonal, type 2N (CMT2N); however, its contribution to the development of AARS-related early infantile epileptic encephalopathy (EIEE) is uncertain.

Mayo Clinic Laboratories, Mayo Clinic
Classification: Uncertain significance. Last evaluated: 2021-04-19. Review status: criteria provided, single submitter. Criteria: ACMG Guidelines, 2015. Collection method: clinical testing. Allele origin: germline.

Illumina Laboratory Services, Illumina
Classification: Likely benign for Charcot-Marie-Tooth disease axonal type 2N. Last evaluated: 2018-01-12. Review status: criteria provided, single submitter. Criteria: ICSL Variant Classification Criteria 13 December 2019. Collection method: clinical testing. Allele origin: germline.
Comment: This variant was observed in the ICSL laboratory as part of a predisposition screen in an ostensibly healthy population. It had not been previously curated by ICSL or reported in the Human Gene Mutation Database (HGMD: prior to June 1st, 2018), and was therefore a candidate for classification through an automated scoring system. Utilizing variant allele frequency, disease prevalence and penetrance estimates, and inheritance mode, an automated score was calculated to assess if this variant is too frequent to cause the disease. Based on the score and internal cut-off values, a variant classified as likely benign is not then subjected to further curation. The score for this variant resulted in a classification of likely benign for this disease.

Molecular Genetics Laboratory, London Health Sciences Centre
Classification: Uncertain significance for Charcot-Marie-Tooth disease. Review status: criteria provided, single submitter. Criteria: ACMG Guidelines, 2015. Collection method: clinical testing. Allele origin: germline. Affected: yes.

Literature cited by the submitters: PubMed 26257172 (cited by Women's Health and Genetics/Laboratory Corporation of America, LabCorp and Ambry Genetics).

NM_001605.3(AARS1):c.2732A>G (p.Asn911Ser)

Gene: AARS1 (alanyl-tRNA synthetase 1; minus strand). Cytogenetic location: 16q22.1.
Variant type: single nucleotide variant.
Coding change: c.2732A>G on transcript NM_001605.3 (MANE Select); coding-DNA position 2732, A replaced by G.
Protein change: p.Asn911Ser; replaces asparagine 911 with serine.
Molecular consequence: missense variant.
Genome position (GRCh38, 1-based): chr16:70,252,896, T>C on the plus strand (A>G on the coding strand, the complement: AARS1 is on the minus strand). VCF-style: chr16-70252896-T-C. GRCh37 (hg19) VCF-style: chr16-70286799-T-C.
Other names: p.Asn911Ser; short protein forms N911S.
Identifiers: ClinVar variation 320324 (VCV000320324.23), dbSNP rs746822330, ClinGen allele CA8140278.